The following is an entry in ClinVar:

ClinVar aggregate classification (germline): Uncertain significance (1 of 4 stars; one submission).

Submission:

GeneDx
Classification: Uncertain significance. Last evaluated: 2024-06-26. Review status: criteria provided, single submitter. Criteria: GeneDx Variant Classification Process June 2021. Collection method: clinical testing. Allele origin: germline. Affected: yes.
Comment: Not observed at significant frequency in large population cohorts (gnomAD); In silico analysis supports that this missense variant has a deleterious effect on protein structure/function; Has not been previously published as pathogenic or benign to our knowledge

NM_001378974.1(FBXW11):c.287T>C (p.Leu96Ser)

Gene: FBXW11 (F-box and WD repeat domain containing 11; minus strand). Cytogenetic location: 5q35.1.
Variant type: single nucleotide variant.
Coding change: c.287T>C on transcript NM_001378974.1 (MANE Select); coding-DNA position 287, T replaced by C.
Protein change: p.Leu96Ser; replaces leucine 96 with serine.
Molecular consequence: missense variant.
Genome position (GRCh38, 1-based): chr5:171,910,721, A>G on the plus strand (T>C on the coding strand, the complement: FBXW11 is on the minus strand). VCF-style: chr5-171910721-A-G. GRCh37 (hg19) VCF-style: chr5-171337725-A-G.
Other names: c.224T>C, p.Leu75Ser (NM_001378975.1, NM_012300.3); c.191T>C, p.Leu64Ser (NM_001378976.1); c.128T>C, p.Leu43Ser (NM_001378977.1, NM_001378978.1, NM_001378979.1); c.122T>C, p.Leu41Ser (NM_001378980.1, NM_033645.3); c.185T>C, p.Leu62Ser (NM_033644.3); short protein forms L41S, L43S, L62S, L64S, L75S, L96S.
Identifiers: ClinVar variation 3392915 (VCV003392915.1).